The following is an entry in ClinVar:

ClinVar aggregate classification (germline): Uncertain significance. Review status: criteria provided, multiple submitters, no conflicts (2 of 4 stars). 2 submissions from 2 submitters: Uncertain significance (2). Last evaluated 2024-09-19.

Conditions:
Autosomal dominant polycystic kidney disease. Identifiers: Orphanet 730, MedGen C0085413, MONDO:0004691.

Allele frequency attached by ClinVar (database versions not stated): TOPMed below 0.00001; ExAC 0.00001; gnomAD 0.00001; gnomAD exomes 0.00001; ESP Exome Variant Server 0.00008.
gnomAD v4.1: 17 of 1,612,672 alleles (0.0011%); highest among the groups gnomAD compares: Middle Eastern, 0.016%; no homozygotes.

Submissions (2):

GeneDx
Classification: Uncertain significance. Last evaluated: 2024-09-19. Review status: criteria provided, single submitter. Criteria: GeneDx Variant Classification Process June 2021. Collection method: clinical testing. Allele origin: germline. Affected: yes.
Comment: In silico analysis indicates that this missense variant does not alter protein structure/function; Has not been previously published as pathogenic or benign to our knowledge

Labcorp Genetics (formerly Invitae), Labcorp
Classification: Uncertain significance for Autosomal dominant polycystic kidney disease. Last evaluated: 2024-02-17. Review status: criteria provided, single submitter. Criteria: Invitae Variant Classification Sherloc (09022015). Collection method: clinical testing. Allele origin: germline.
Comment: This sequence change replaces asparagine, which is neutral and polar, with serine, which is neutral and polar, at codon 578 of the PKD2 protein (p.Asn578Ser). This variant is present in population databases (rs373742634, gnomAD 0.005%). This variant has not been reported in the literature in individuals affected with PKD2-related conditions. ClinVar contains an entry for this variant (Variation ID: 2050199). Advanced modeling of protein sequence and biophysical properties (such as structural, functional, and spatial information, amino acid conservation, physicochemical variation, residue mobility, and thermodynamic stability) performed at Invitae indicates that this missense variant is not expected to disrupt PKD2 protein function with a negative predictive value of 80%. In summary, the available evidence is currently insufficient to determine the role of this variant in disease. Therefore, it has been classified as a Variant of Uncertain Significance.

NM_000297.4(PKD2):c.1733A>G (p.Asn578Ser)

Gene: PKD2 (polycystin 2, transient receptor potential cation channel; plus strand). Cytogenetic location: 4q22.1.
Variant type: single nucleotide variant.
Coding change: c.1733A>G on transcript NM_000297.4 (MANE Select); coding-DNA position 1733, A replaced by G.
Protein change: p.Asn578Ser; replaces asparagine 578 with serine.
Molecular consequence: missense variant. On other transcripts: non-coding transcript variant (1).
Genome position (GRCh38, 1-based): chr4:88,056,102, A>G. VCF-style: chr4-88056102-A-G. GRCh37 (hg19) VCF-style: chr4-88977254-A-G.
Other names: c.1733A>G (NM_000297.3); short protein forms N578S.
Identifiers: ClinVar variation 2050199 (VCV002050199.5), dbSNP rs373742634, ClinGen allele CA3004040.
Genomic context (GRCh38, chr4:88,056,102, plus strand): 5'-TTTTGTTTATCCATTCATCTATTGATGTCTTCTCTCTCTTACAGCTCTTCAAATTCATCA[A>G]TTTTAACAGGACCATGAGCCAGCTCTCGACAACCATGTCTCGATGTGCCAAAGACCTGTT-3'
Protein context (NP_000288.1, residues 568-588): FVWIKLFKFI[Asn578Ser]FNRTMSQLST